The following is an entry in ClinVar:

ClinVar aggregate classification (germline): Pathogenic (1 of 4 stars; one submission).

Submission:

Labcorp Genetics (formerly Invitae), Labcorp
Classification: Pathogenic. Last evaluated: 2024-06-16. Review status: criteria provided, single submitter. Criteria: Invitae Variant Classification Sherloc (09022015). Collection method: clinical testing. Allele origin: germline.
Comment: This sequence change replaces glycine, which is neutral and non-polar, with valine, which is neutral and non-polar, at codon 1155 of the COL2A1 protein (p.Gly1155Val). Information on the frequency of this variant in the gnomAD database is not available, as this variant may be reported differently in the database. This missense change has been observed in individuals with autosomal dominant COL2A1-related conditions (PMID: 2791362, 35052477). Experimental studies and prediction algorithms are not available or were not evaluated, and the functional significance of this variant is currently unknown. This variant disrupts the triple helix domain of COL2A1. Glycine residues within the Gly-Xaa-Yaa repeats of the triple helix domain are required for the structure and stability of fibrillar collagens (PMID: 7695699, 8218237, 19344236). In COL2A1, variants affecting these glycine residues are significantly enriched in individuals with disease (PMID: 9016532, 17078022) compared to the general population (ExAC). For these reasons, this variant has been classified as Pathogenic.

Literature cited by the submitters: PubMed 2791362; PubMed 35052477; PubMed 7695699; PubMed 8218237; PubMed 19344236; PubMed 9016532; PubMed 17078022.

NM_001844.5(COL2A1):c.3464_3465delinsTA (p.Gly1155Val)

Gene: COL2A1 (collagen type II alpha 1 chain; minus strand). Cytogenetic location: 12q13.11.
Variant type: Indel.
Coding change: c.3464_3465delinsTA on transcript NM_001844.5 (MANE Select); coding-DNA positions 3464 to 3465, GT replaced by TA.
Protein change: p.Gly1155Val; replaces glycine 1155 with valine.
Molecular consequence: missense variant.
Genome position (GRCh38, 1-based): chr12:47,976,538-47,976,539, AC replaced by TA on the plus strand (GT replaced by TA on the coding strand, the reverse complement: COL2A1 is on the minus strand). VCF-style: chr12-47976538-AC-TA. GRCh37 (hg19) VCF-style: chr12-48370321-AC-TA.
Other names: c.3257_3258delinsTA, p.Gly1086Val (NM_033150.3); short protein forms G1155V, G1086V.
Identifiers: ClinVar variation 3656768 (VCV003656768.2).